The following is an entry in ClinVar:

NM_000416.3(IFNGR1):c.135C>T (p.Ile45=)

Gene: IFNGR1 (interferon gamma receptor 1; minus strand). Cytogenetic location: 6q23.3.
Variant type: single nucleotide variant.
Coding change: c.135C>T on transcript NM_000416.3 (MANE Select); coding-DNA position 135, C replaced by T.
Protein change: p.Ile45=; no amino-acid change (isoleucine 45 retained).
Molecular consequence: synonymous variant.
Genome position (GRCh38, 1-based): chr6:137,207,028, G>A on the plus strand (C>T on the coding strand, the complement: IFNGR1 is on the minus strand). VCF-style: chr6-137207028-G-A. GRCh37 (hg19) VCF-style: chr6-137528165-G-A.
Other names: c.105C>T, p.Ile35= (NM_001363526.1); c.12C>T, p.Ile4= (NM_001363527.1).
Identifiers: ClinVar variation 495868 (VCV000495868.14), dbSNP rs148104171, ClinGen allele CA4019043.

ClinVar aggregate classification (germline): Benign/Likely benign. Review status: criteria provided, multiple submitters, no conflicts (2 of 4 stars). 3 submissions from 3 submitters: Benign (1); Likely benign (2). Last evaluated 2025-07-06.

Conditions:
Disseminated atypical mycobacterial infection. Identifiers: MedGen C0694566.

Allele frequency attached by ClinVar (database versions not stated): ExAC 0.00003; TOPMed 0.00003; gnomAD 0.00004; gnomAD exomes 0.00004; ESP Exome Variant Server 0.00008.

Submissions (3):

Labcorp Genetics (formerly Invitae), Labcorp
Classification: Likely benign for Disseminated atypical mycobacterial infection. Last evaluated: 2025-07-06. Review status: criteria provided, single submitter. Criteria: Invitae Variant Classification Sherloc (09022015). Collection method: clinical testing. Allele origin: germline.

Blueprint Genetics
Classification: Likely benign. Last evaluated: 2024-05-29. Review status: criteria provided, single submitter. Criteria: ACMG Guidelines, 2015. Collection method: clinical testing. Allele origin: germline.

Women's Health and Genetics/Laboratory Corporation of America, LabCorp
Classification: Benign. Last evaluated: 2017-02-13. Review status: criteria provided, single submitter. Criteria: LabCorp Variant Classification Summary - May 2015. Collection method: clinical testing. Allele origin: germline.
Comment: Variant summary: The IFNGR1 c.135C>T (p.Ile45Ile) variant involves the alteration of a non-conserved nucleotide, resulting in a synonymous change. Mutation Taster predicts a benign outcome for this variant. 5/5 splice prediction tools also predict no significant impact on normal splicing. This variant was found in 27/121914 control chromosomes at a frequency of 0.0002215, which does not exceed the estimated maximal expected allele frequency of a pathogenic IFNGR1 variant (0.001118) under recessive module. However, it was found in allele frequency of 4% in 282 randomly selected, population-based individuals 19 to 68 years of age (mean, 38.21) with no atopy-related diseases from Japan (Matsuda_2007); thus it is a polymorphism mainly found in Japanese population. The variant of interest has not, to our knowledge, been reported in affected individuals via publications and/or reputable databases. Taken together, this variant is classified as Benign.

Literature cited by the submitters: PubMed 17251453 (cited by Women's Health and Genetics/Laboratory Corporation of America, LabCorp).